The following is an entry in ClinVar:

ClinVar aggregate classification (germline): Uncertain significance (1 of 4 stars; one submission).

gnomAD v4.1: 16 of 1,500,286 alleles (0.0011%); highest among the groups gnomAD compares: Non-Finnish European, 0.0014%; no homozygotes.

Submission:

Labcorp Genetics (formerly Invitae), Labcorp
Classification: Uncertain significance. Last evaluated: 2022-05-19. Review status: criteria provided, single submitter. Criteria: Invitae Variant Classification Sherloc (09022015). Collection method: clinical testing. Allele origin: germline.
Comment: This sequence change disrupts the translational stop signal of the TNFRSF6B mRNA. It is expected to extend the length of the TNFRSF6B protein by 17 additional amino acid residues. In summary, the available evidence is currently insufficient to determine the role of this variant in disease. Therefore, it has been classified as a Variant of Uncertain Significance. This variant has not been reported in the literature in individuals affected with TNFRSF6B-related conditions. This variant is not present in population databases (gnomAD no frequency).

NM_003823.4(TNFRSF6B):c.901T>A (p.Ter301Arg)

Genes: RTEL1-TNFRSF6B (RTEL1-TNFRSF6B readthrough (NMD candidate); plus strand), TNFRSF6B (TNF receptor superfamily member 6b; plus strand). Cytogenetic location: 20q13.33.
Variant type: single nucleotide variant.
Coding change: c.901T>A on transcript NM_003823.4 (MANE Select); coding-DNA position 901, T replaced by A.
Protein change: p.Ter301Arg.
Molecular consequence: stop lost. On other transcripts: non-coding transcript variant (1).
Genome position (GRCh38, 1-based): chr20:63,698,561, T>A. VCF-style: chr20-63698561-T-A. GRCh37 (hg19) VCF-style: chr20-62329914-T-A.
Identifiers: ClinVar variation 1996314 (VCV001996314.4), dbSNP rs2517231009, ClinGen allele CA409712347.